The following is an entry in ClinVar:

ClinVar aggregate classification (germline): Uncertain significance. Review status: criteria provided, multiple submitters, no conflicts (2 of 4 stars). 2 submissions from 2 submitters: Uncertain significance (2). Last evaluated 2025-06-18.

Conditions:
Hereditary cancer-predisposing syndrome. Also called: Neoplastic Syndromes, Hereditary; Hereditary Cancer Syndrome; Tumor predisposition; Hereditary neoplastic syndrome. Identifiers: Orphanet 140162, MedGen C0027672, MeSH D009386, MONDO:0015356.
Familial adenomatous polyposis 2. Also called: COLORECTAL ADENOMATOUS POLYPOSIS, AUTOSOMAL RECESSIVE; ADENOMAS, MULTIPLE COLORECTAL, AUTOSOMAL RECESSIVE; MUTYH-associated polyposis; MUTYH-related attenuated familial adenomatous polyposis; MUTYH Polyposis; Adenomas, multiple colorectal. Identifiers: Orphanet 220460, Orphanet 247798, MedGen C3272841, MONDO:0012041, OMIM 608456.

Submissions (2):

Labcorp Genetics (formerly Invitae), Labcorp
Classification: Uncertain significance for Familial adenomatous polyposis 2. Last evaluated: 2025-06-18. Review status: criteria provided, single submitter. Criteria: Invitae Variant Classification Sherloc (09022015). Collection method: clinical testing. Allele origin: germline.
Comment: This sequence change replaces arginine, which is basic and polar, with proline, which is neutral and non-polar, at codon 116 of the MUTYH protein (p.Arg116Pro). This variant is not present in population databases (gnomAD no frequency). This variant has not been reported in the literature in individuals affected with MUTYH-related conditions. ClinVar contains an entry for this variant (Variation ID: 631396). An algorithm developed to predict the effect of missense changes on protein structure and function (PolyPhen-2) suggests that this variant is likely to be tolerated. In summary, the available evidence is currently insufficient to determine the role of this variant in disease. Therefore, it has been classified as a Variant of Uncertain Significance.

Color Diagnostics, LLC DBA Color Health
Classification: Uncertain significance for Hereditary cancer-predisposing syndrome. Last evaluated: 2019-06-29. Review status: criteria provided, single submitter. Criteria: ACMG Guidelines, 2015. Collection method: clinical testing. Allele origin: germline.

NM_001048174.2(MUTYH):c.263G>C (p.Arg88Pro)

Gene: MUTYH (mutY DNA glycosylase; minus strand). Cytogenetic location: 1p34.1.
Variant type: single nucleotide variant.
Coding change: c.263G>C on transcript NM_001048174.2 (MANE Select); coding-DNA position 263, G replaced by C.
Protein change: p.Arg88Pro; replaces arginine 88 with proline.
Molecular consequence: missense variant. On other transcripts: 5 prime UTR variant (4), non-coding transcript variant (2).
Genome position (GRCh38, 1-based): chr1:45,333,414, C>G on the plus strand (G>C on the coding strand, the complement: MUTYH is on the minus strand). VCF-style: chr1-45333414-C-G. GRCh37 (hg19) VCF-style: chr1-45799086-C-G.
Other names: c.263G>C, p.Arg88Pro (NM_001293195.2, NM_001048171.2, NM_001048173.2); c.-14G>C (NM_001293196.2, NM_001293192.2); c.-9G>C (NM_001350650.2, NM_001350651.2); c.338G>C, p.Arg113Pro (NM_012222.3); c.266G>C, p.Arg89Pro (NM_001048172.2); c.347G>C, p.Arg116Pro (NM_001128425.2); c.308G>C, p.Arg103Pro (NM_001293190.2); c.296G>C, p.Arg99Pro (NM_001293191.2); short protein forms R116P, R113P, R88P, R89P, R99P, R103P.
Identifiers: ClinVar variation 631396 (VCV000631396.6), dbSNP rs587782683, ClinGen allele CA340136332.